The following is an entry in ClinVar:

ClinVar aggregate classification (germline): Uncertain significance. Review status: criteria provided, multiple submitters, no conflicts (2 of 4 stars). 2 submissions from 2 submitters: Uncertain significance (2). Last evaluated 2025-11-03.

Conditions:
Inborn genetic diseases. Identifiers: MedGen C0950123, MeSH D030342.

Allele frequency attached by ClinVar (database versions not stated): gnomAD 0.00005; gnomAD exomes 0.00007; ExAC 0.00008; TOPMed 0.00012.
gnomAD v4.1: 103 of 1,614,150 alleles (0.0064%); highest among the groups gnomAD compares: East Asian, 0.013%; no homozygotes.

Submissions (2):

Ambry Genetics
Classification: Uncertain significance for Inborn genetic diseases. Last evaluated: 2025-11-03. Review status: criteria provided, single submitter. Criteria: Ambry Variant Classification Scheme 2023. Collection method: clinical testing. Allele origin: germline.

Labcorp Genetics (formerly Invitae), Labcorp
Classification: Uncertain significance. Last evaluated: 2024-05-13. Review status: criteria provided, single submitter. Criteria: Invitae Variant Classification Sherloc (09022015). Collection method: clinical testing. Allele origin: germline.
Comment: This sequence change replaces arginine, which is basic and polar, with cysteine, which is neutral and slightly polar, at codon 658 of the EPAS1 protein (p.Arg658Cys). This variant is present in population databases (rs766696421, gnomAD 0.05%), and has an allele count higher than expected for a pathogenic variant. This variant has not been reported in the literature in individuals affected with EPAS1-related conditions. ClinVar contains an entry for this variant (Variation ID: 2370014). An algorithm developed to predict the effect of missense changes on protein structure and function (PolyPhen-2) suggests that this variant is likely to be tolerated. In summary, the available evidence is currently insufficient to determine the role of this variant in disease. Therefore, it has been classified as a Variant of Uncertain Significance.

NM_001430.5(EPAS1):c.1972C>T (p.Arg658Cys)

Gene: EPAS1 (endothelial PAS domain protein 1; plus strand). Cytogenetic location: 2p21.
Variant type: single nucleotide variant.
Coding change: c.1972C>T on transcript NM_001430.5 (MANE Select); coding-DNA position 1972, C replaced by T.
Protein change: p.Arg658Cys; replaces arginine 658 with cysteine.
Molecular consequence: missense variant.
Genome position (GRCh38, 1-based): chr2:46,380,644, C>T. VCF-style: chr2-46380644-C-T. GRCh37 (hg19) VCF-style: chr2-46607783-C-T.
Other names: short protein forms R658C.
Identifiers: ClinVar variation 2370014 (VCV002370014.6), dbSNP rs766696421, ClinGen allele CA1645160.